The following is an entry in ClinVar:

NM_033380.3(COL4A5):c.2126C>T (p.Pro709Leu)

Gene: COL4A5 (collagen type IV alpha 5 chain; plus strand). Cytogenetic location: Xq22.3.
Variant type: single nucleotide variant.
Coding change: c.2126C>T on transcript NM_033380.3 (MANE Select); coding-DNA position 2126, C replaced by T.
Protein change: p.Pro709Leu; replaces proline 709 with leucine.
Molecular consequence: missense variant.
Genome position (GRCh38, 1-based): chrX:108,601,969, C>T. VCF-style: chrX-108601969-C-T. GRCh37 (hg19) VCF-style: chrX-107845199-C-T.
Other names: c.2126C>T, p.Pro709Leu (NM_000495.5); short protein forms P709L.
Identifiers: ClinVar variation 3636323 (VCV003636323.2).

ClinVar aggregate classification (germline): Uncertain significance (1 of 4 stars; one submission).

Submission:

Labcorp Genetics (formerly Invitae), Labcorp
Classification: Uncertain significance. Last evaluated: 2024-09-19. Review status: criteria provided, single submitter. Criteria: Invitae Variant Classification Sherloc (09022015). Collection method: clinical testing. Allele origin: germline.
Comment: This sequence change replaces proline, which is neutral and non-polar, with leucine, which is neutral and non-polar, at codon 709 of the COL4A5 protein (p.Pro709Leu). The frequency data for this variant in the population databases is considered unreliable, as metrics indicate poor data quality at this position in the gnomAD database. This variant has not been reported in the literature in individuals affected with COL4A5-related conditions. Invitae Evidence Modeling of protein sequence and biophysical properties (such as structural, functional, and spatial information, amino acid conservation, physicochemical variation, residue mobility, and thermodynamic stability) indicates that this missense variant is expected to disrupt COL4A5 protein function with a positive predictive value of 80%. In summary, the available evidence is currently insufficient to determine the role of this variant in disease. Therefore, it has been classified as a Variant of Uncertain Significance.